The following is an entry in ClinVar:

ClinVar aggregate classification (germline): Conflicting classifications of pathogenicity. Review status: criteria provided, conflicting classifications (1 of 4 stars). 2 submissions from 2 submitters: Likely pathogenic (1); Uncertain significance (1). Last evaluated 2025-12-13.

Conditions:
SLCO1B3-related disorder. Also called: SLCO1B3-related condition.

Allele frequency attached by ClinVar (database versions not stated): gnomAD exomes 0.00011 and 0.00018; ExAC 0.00015; gnomAD 0.00015 and 0.00017; ESP Exome Variant Server 0.00016; TOPMed 0.00019.

Submissions (2):

PreventionGenetics, part of Exact Sciences
Classification: Likely pathogenic for SLCO1B3-related condition. Last evaluated: 2025-12-13. Review status: criteria provided, single submitter. Criteria: ACMG Guidelines, 2015. Collection method: clinical testing. Allele origin: germline.
Comment: The SLCO1B3 c.1794_1795delAT variant is predicted to result in a frameshift and premature protein termination (p.Cys599Tyrfs*15). This variant has been reported in an individual with autism spectrum disorder (reported as p.598_599del, Yuen et al. 2015. PubMed ID: 25621899). This variant is reported in 0.075% of alleles in individuals of Latino descent in gnomAD. Frameshift variants in SLCO1B3 are expected to be pathogenic. This variant is interpreted as likely pathogenic.

ARUP Laboratories, Molecular Genetics and Genomics, ARUP Laboratories
Classification: Uncertain significance. Last evaluated: 2017-06-16. Review status: criteria provided, single submitter. Criteria: ARUP Molecular Germline Variant Investigation Process. Collection method: clinical testing. Allele origin: germline.

NM_019844.4(SLCO1B3):c.1794_1795del (p.Cys599fs)

Genes: SLCO1B3 (solute carrier organic anion transporter family member 1B3; plus strand), SLCO1B3-SLCO1B7 (SLCO1B3-SLCO1B7 readthrough; plus strand). Cytogenetic location: 12p12.2.
Variant type: Deletion.
Coding change: c.1794_1795del on transcript NM_019844.4 (MANE Select); coding-DNA positions 1794 to 1795, 2 bases deleted (AT; older notation c.1794_1795delAT).
Protein change: p.Cys599fs; shifts the reading frame from cysteine 599.
Molecular consequence: frameshift variant.
Genome position (GRCh38, 1-based): chr12:20,901,396-20,901,397, AT deleted. VCF-style (leftmost placement, unchanged base first): chr12-20901395-CAT-C. GRCh37 (hg19) VCF-style: chr12-21054329-CAT-C.
Other names: c.1710_1711del, p.Cys571fs (NM_001349920.2); short protein forms C571fs, C599fs.
Identifiers: ClinVar variation 618374 (VCV000618374.12), dbSNP rs766686725, ClinGen allele CA6475711.